The following is an entry in ClinVar:

ClinVar aggregate classification (germline): Likely benign (1 of 4 stars; one submission).

Allele frequency attached by ClinVar (database versions not stated): TOPMed 0.00053; gnomAD 0.00150 and 0.00159; 1000 Genomes Project 30x 0.00203; 1000 Genomes Project 0.00260.
gnomAD v4.1: 238 of 152,280 alleles (0.16%); highest among the groups gnomAD compares: East Asian, 0.66%; 2 homozygotes.

Submission:

GeneDx
Classification: Likely benign. Last evaluated: 2018-06-16. Review status: criteria provided, single submitter. Criteria: GeneDx Variant Classification (06012015). Collection method: clinical testing. Allele origin: germline. Affected: yes.
Comment: This variant is considered likely benign or benign based on one or more of the following criteria: it is a conservative change, it occurs at a poorly conserved position in the protein, it is predicted to be benign by multiple in silico algorithms, and/or has population frequency not consistent with disease.

NM_001267550.2(TTN):c.25640-247A>C

Gene: TTN (titin; minus strand). Cytogenetic location: 2q31.2.
Variant type: single nucleotide variant.
Coding change: c.25640-247A>C on transcript NM_001267550.2 (MANE Select); 247 bases into the intron before coding-DNA position 25640, A replaced by C.
Molecular consequence: intron variant.
Genome position (GRCh38, 1-based): chr2:178,716,021, T>G on the plus strand (A>C on the coding strand, the complement: TTN is on the minus strand). VCF-style: chr2-178716021-T-G. GRCh37 (hg19) VCF-style: chr2-179580748-T-G.
Other names: c.13282+22061A>C (NM_003319.4); c.13858+22061A>C (NM_133437.4); c.13657+22061A>C (NM_133432.3); c.21908-247A>C (NM_133378.4); c.24689-247A>C (NM_001256850.1).
Identifiers: ClinVar variation 679966 (VCV000679966.1), dbSNP rs545842600, ClinGen allele CA60969438.